The following is an entry in ClinVar:

ClinVar aggregate classification (germline): Uncertain significance (1 of 4 stars; one submission).

Allele frequency attached by ClinVar (database versions not stated): TOPMed below 0.00001; gnomAD exomes 0.00001.
gnomAD v4.1: 4 of 1,613,556 alleles (0.00025%); highest among the groups gnomAD compares: Admixed American, 0.0017%; no homozygotes.

Submission:

Labcorp Genetics (formerly Invitae), Labcorp
Classification: Uncertain significance. Last evaluated: 2022-06-23. Review status: criteria provided, single submitter. Criteria: Invitae Variant Classification Sherloc (09022015). Collection method: clinical testing. Allele origin: germline.
Comment: In summary, the available evidence is currently insufficient to determine the role of this variant in disease. Therefore, it has been classified as a Variant of Uncertain Significance. Algorithms developed to predict the effect of missense changes on protein structure and function are either unavailable or do not agree on the potential impact of this missense change (SIFT: "Deleterious"; PolyPhen-2: "Probably Damaging"; Align-GVGD: "Class C0"). This variant has not been reported in the literature in individuals affected with BICC1-related conditions. This variant is present in population databases (no rsID available, gnomAD 0.003%). This sequence change replaces serine, which is neutral and polar, with leucine, which is neutral and non-polar, at codon 860 of the BICC1 protein (p.Ser860Leu).

NM_001080512.3(BICC1):c.2579C>T (p.Ser860Leu)

Gene: BICC1 (BicC family RNA binding protein 1; plus strand). Cytogenetic location: 10q21.1.
Variant type: single nucleotide variant.
Coding change: c.2579C>T on transcript NM_001080512.3 (MANE Select); coding-DNA position 2579, C replaced by T.
Protein change: p.Ser860Leu; replaces serine 860 with leucine.
Molecular consequence: missense variant.
Genome position (GRCh38, 1-based): chr10:58,817,607, C>T. VCF-style: chr10-58817607-C-T. GRCh37 (hg19) VCF-style: chr10-60577367-C-T.
Other names: short protein forms S860L.
Identifiers: ClinVar variation 1956831 (VCV001956831.5), dbSNP rs1361694973, ClinGen allele CA376982500.